The following is an entry in ClinVar:

NM_031844.3(HNRNPU):c.1061T>C (p.Ile354Thr)

Gene: HNRNPU (heterogeneous nuclear ribonucleoprotein U; minus strand). Cytogenetic location: 1q44.
Variant type: single nucleotide variant.
Coding change: c.1061T>C on transcript NM_031844.3 (MANE Select); coding-DNA position 1061, T replaced by C.
Protein change: p.Ile354Thr; replaces isoleucine 354 with threonine.
Molecular consequence: missense variant.
Genome position (GRCh38, 1-based): chr1:244,859,331, A>G on the plus strand (T>C on the coding strand, the complement: HNRNPU is on the minus strand). VCF-style: chr1-244859331-A-G. GRCh37 (hg19) VCF-style: chr1-245022633-A-G.
Other names: c.1004T>C, p.Ile335Thr (NM_004501.3); short protein forms I335T, I354T.
Identifiers: ClinVar variation 2663561 (VCV002663561.1), dbSNP rs2527882219, ClinGen allele CA345493201.
Genomic context (GRCh38, chr1:244,859,331, plus strand): 5'-TTACCAAGTAACATTCCACTTGTAGTTAGTGACCAGCCAATACGAACTTCATGTATGTCA[A>G]TATCTTTTGTATATAAATGCCTTACTGGGATCTTCTCTGTAACCTGAAAGTCAAATCATT-3'
Protein context (NP_114032.2, residues 344-364): IPVRHLYTKD[Ile354Thr]DIHEVRIGWS

ClinVar aggregate classification (germline): Uncertain significance (1 of 4 stars; one submission).

Submission:

GeneDx
Classification: Uncertain significance. Last evaluated: 2023-05-04. Review status: criteria provided, single submitter. Criteria: GeneDx Variant Classification Process June 2021. Collection method: clinical testing. Allele origin: germline. Affected: yes.
Comment: Not observed at significant frequency in large population cohorts (gnomAD); In silico analysis supports that this missense variant does not alter protein structure/function; Has not been previously published as pathogenic or benign to our knowledge